The following is an entry in ClinVar:

ClinVar aggregate classification (germline): Benign. Review status: criteria provided, multiple submitters, no conflicts (2 of 4 stars). 2 submissions from 2 submitters: Benign (2). Last evaluated 2018-06-16.

Allele frequency attached by ClinVar (database versions not stated): gnomAD exomes 0.06630; gnomAD 0.14199 and 0.14774; TOPMed 0.14641; 1000 Genomes Project 0.15675; 1000 Genomes Project 30x 0.16021.
gnomAD v4.1: 85,173 of 1,106,904 alleles (7.7%); highest among the groups gnomAD compares: African/African-American, 34%; 6,168 homozygotes.

Submissions (2):

GeneDx
Classification: Benign. Last evaluated: 2018-06-16. Review status: criteria provided, single submitter. Criteria: GeneDx Variant Classification (06012015). Collection method: clinical testing. Allele origin: germline. Affected: yes.
Comment: This variant is considered likely benign or benign based on one or more of the following criteria: it is a conservative change, it occurs at a poorly conserved position in the protein, it is predicted to be benign by multiple in silico algorithms, and/or has population frequency not consistent with disease.

Breakthrough Genomics
Classification: Benign. Review status: criteria provided, single submitter. Criteria: ACMG Guidelines, 2015. Collection method: not provided. Allele origin: germline. Inheritance: Autosomal recessive inheritance. Affected: yes.

NM_001843.4(CNTN1):c.2981-81C>T

Gene: CNTN1 (contactin 1; plus strand). Cytogenetic location: 12q12.
Variant type: single nucleotide variant.
Coding change: c.2981-81C>T on transcript NM_001843.4 (MANE Select); 81 bases into the intron before coding-DNA position 2981, C replaced by T.
Molecular consequence: intron variant.
Genome position (GRCh38, 1-based): chr12:41,069,878, C>T. VCF-style: chr12-41069878-C-T. GRCh37 (hg19) VCF-style: chr12-41463680-C-T.
Other names: c.2948-81C>T (NM_175038.2).
Identifiers: ClinVar variation 681652 (VCV000681652.2), dbSNP rs12297122, ClinGen allele CA16442274.